The following is an entry in ClinVar:

ClinVar aggregate classification (germline): Uncertain significance (1 of 4 stars; one submission).

gnomAD v4.1: 3 of 1,614,226 alleles (0.00019%); highest among the groups gnomAD compares: Admixed American, 0.005%; no homozygotes.

Submission:

Labcorp Genetics (formerly Invitae), Labcorp
Classification: Uncertain significance. Last evaluated: 2022-03-20. Review status: criteria provided, single submitter. Criteria: Invitae Variant Classification Sherloc (09022015). Collection method: clinical testing. Allele origin: germline.
Comment: Advanced modeling of protein sequence and biophysical properties (such as structural, functional, and spatial information, amino acid conservation, physicochemical variation, residue mobility, and thermodynamic stability) performed at Invitae indicates that this missense variant is not expected to disrupt RP1L1 protein function. This variant has not been reported in the literature in individuals affected with RP1L1-related conditions. This variant is not present in population databases (gnomAD no frequency). This sequence change replaces alanine, which is neutral and non-polar, with aspartic acid, which is acidic and polar, at codon 238 of the RP1L1 protein (p.Ala238Asp). In summary, the available evidence is currently insufficient to determine the role of this variant in disease. Therefore, it has been classified as a Variant of Uncertain Significance.

NM_178857.6(RP1L1):c.713C>A (p.Ala238Asp)

Gene: RP1L1 (RP1 like 1). Cytogenetic location: 8p23.1.
Variant type: single nucleotide variant.
Coding change: c.713C>A on transcript NM_178857.6 (MANE Select); coding-DNA position 713, C replaced by A.
Protein change: p.Ala238Asp; replaces alanine 238 with aspartic acid.
Molecular consequence: missense variant.
Genome position (GRCh38, 1-based): chr8:10,616,484, G>T on the plus strand (C>A on the coding strand, the complement: RP1L1 is on the minus strand). VCF-style: chr8-10616484-G-T. GRCh37 (hg19) VCF-style: chr8-10473994-G-T.
Other names: short protein forms A238D.
Identifiers: ClinVar variation 2072658 (VCV002072658.4), dbSNP rs1193069610, ClinGen allele CA370299100.